The following is an entry in ClinVar:

ClinVar aggregate classification (germline): Uncertain significance (1 of 4 stars; one submission).

Conditions:
Inborn genetic diseases. Identifiers: MedGen C0950123, MeSH D030342.

Submission:

Ambry Genetics
Classification: Uncertain significance for Inborn genetic diseases. Last evaluated: 2025-02-27. Review status: criteria provided, single submitter. Criteria: Ambry Variant Classification Scheme 2023. Collection method: clinical testing. Allele origin: germline.
Comment: The p.T665A variant (also known as c.1993A>G), located in coding exon 1 of the SAMD9L gene, results from an A to G substitution at nucleotide position 1993. The threonine at codon 665 is replaced by alanine, an amino acid with similar properties. This amino acid position is conserved. In addition, this alteration is predicted to be tolerated by in silico analysis. Based on the available evidence, the clinical significance of this variant remains unclear.

NM_152703.5(SAMD9L):c.1993A>G (p.Thr665Ala)

Gene: SAMD9L (sterile alpha motif domain containing 9 like; minus strand). Cytogenetic location: 7q21.2.
Variant type: single nucleotide variant.
Coding change: c.1993A>G on transcript NM_152703.5 (MANE Select); coding-DNA position 1993, A replaced by G.
Protein change: p.Thr665Ala; replaces threonine 665 with alanine.
Molecular consequence: missense variant.
Genome position (GRCh38, 1-based): chr7:93,133,979, T>C on the plus strand (A>G on the coding strand, the complement: SAMD9L is on the minus strand). VCF-style: chr7-93133979-T-C. GRCh37 (hg19) VCF-style: chr7-92763292-T-C.
Other names: c.1993A>G, p.Thr665Ala (NM_001303496.3, NM_001303497.3, NM_001303498.3 and 5 more transcripts); short protein forms T665A.
Identifiers: ClinVar variation 3792459 (VCV003792459.1).